The following is an entry in ClinVar:

NM_001303256.3(MORC2):c.2076GCA[1] (p.Gln694del)

Gene: MORC2 (MORC family CW-type zinc finger 2; minus strand). Cytogenetic location: 22q12.2.
Variant type: Microsatellite.
Coding change: c.2076GCA[1] on transcript NM_001303256.3 (MANE Select); one copy of the 3-base unit GCA starting at c.2076; the reference has two copies in a row; one copy, 3 bases deleted.
Protein change: p.Gln694del; deletes glutamine 694.
Molecular consequence: inframe deletion.
Genome position (GRCh38, 1-based): chr22:30,934,893-30,934,895, TGC deleted on the plus strand (GCA on the coding strand, the reverse complement: MORC2 is on the minus strand); deleting any 3 consecutive bases within chr22:30,934,893-30,934,898 gives the same sequence; the position shown is the placement nearest the transcript's 3' end. VCF-style (leftmost placement, unchanged base first): chr22-30934892-TTGC-T. GRCh37 (hg19) VCF-style: chr22-31330879-TTGC-T.
Other names: c.2076GCA[1], p.Gln694del (NM_001303257.2); c.1890GCA[1], p.Gln632del (NM_014941.3); short protein forms Q632del, Q694del.
Identifiers: ClinVar variation 1490335 (VCV001490335.6), dbSNP rs2147248245, ClinGen allele CA2580615293.

ClinVar aggregate classification (germline): Uncertain significance (1 of 4 stars; one submission).

Conditions:
Charcot-Marie-Tooth disease axonal type 2Z. Also called: CHARCOT-MARIE-TOOTH DISEASE, AXONAL, AUTOSOMAL DOMINANT, TYPE 2Z; CHARCOT-MARIE-TOOTH NEUROPATHY, TYPE 2Z. Identifiers: Orphanet 466768, MedGen C5569025, MONDO:0014736, OMIM 616688.

Submission:

Labcorp Genetics (formerly Invitae), Labcorp
Classification: Uncertain significance for Charcot-Marie-Tooth disease axonal type 2Z. Last evaluated: 2021-09-15. Review status: criteria provided, single submitter. Criteria: Invitae Variant Classification Sherloc (09022015). Collection method: clinical testing. Allele origin: germline.
Comment: In summary, the available evidence is currently insufficient to determine the role of this variant in disease. Therefore, it has been classified as a Variant of Uncertain Significance. Experimental studies and prediction algorithms are not available or were not evaluated, and the functional significance of this variant is currently unknown. This variant has not been reported in the literature in individuals affected with MORC2-related conditions. This variant is not present in population databases (ExAC no frequency). This variant, c.2079_2081del, results in the deletion of 1 amino acid(s) of the MORC2 protein (p.Gln694del), but otherwise preserves the integrity of the reading frame.